The following is an entry in ClinVar:

NM_000090.4(COL3A1):c.3575C>T (p.Ala1192Val)

Gene: COL3A1 (collagen type III alpha 1 chain; plus strand). Cytogenetic location: 2q32.2.
Variant type: single nucleotide variant.
Coding change: c.3575C>T on transcript NM_000090.4 (MANE Select); coding-DNA position 3575, C replaced by T.
Protein change: p.Ala1192Val; replaces alanine 1192 with valine.
Molecular consequence: missense variant.
Genome position (GRCh38, 1-based): chr2:189,008,973, C>T. VCF-style: chr2-189008973-C-T. GRCh37 (hg19) VCF-style: chr2-189873699-C-T.
Other names: short protein forms A1192V.
Identifiers: ClinVar variation 3017433 (VCV003017433.4), dbSNP rs2469165936, ClinGen allele CA349846665.

ClinVar aggregate classification (germline): Uncertain significance. Review status: criteria provided, multiple submitters, no conflicts (2 of 4 stars). 2 submissions from 2 submitters: Uncertain significance (2). Last evaluated 2025-03-31.

Conditions:
Ehlers-Danlos syndrome, type 4 (EDSVASC). Also called: Ehlers-Danlos Syndrome Type IV; Ehlers-Danlos syndrome vascular type; Ehlers Danlos syndrome, ecchymotic type; Ehlers Danlos syndrome, arterial type; Ehlers Danlos syndrome, Sack-Barabas type. Identifiers: Orphanet 286, MedGen C0268338, MONDO:0017314, OMIM 130050.

gnomAD v4.1: 4 of 1,614,184 alleles (0.00025%); highest among the groups gnomAD compares: Non-Finnish European, 0.00025%; no homozygotes.

Submissions (2):

Labcorp Genetics (formerly Invitae), Labcorp
Classification: Uncertain significance for Ehlers-Danlos syndrome, type 4. Last evaluated: 2025-03-31. Review status: criteria provided, single submitter. Criteria: Invitae Variant Classification Sherloc (09022015). Collection method: clinical testing. Allele origin: germline.
Comment: This sequence change replaces alanine, which is neutral and non-polar, with valine, which is neutral and non-polar, at codon 1192 of the COL3A1 protein (p.Ala1192Val). This variant is not present in population databases (gnomAD no frequency). This variant has not been reported in the literature in individuals affected with COL3A1-related conditions. ClinVar contains an entry for this variant (Variation ID: 3017433). Invitae Evidence Modeling of protein sequence and biophysical properties (such as structural, functional, and spatial information, amino acid conservation, physicochemical variation, residue mobility, and thermodynamic stability) indicates that this missense variant is not expected to disrupt COL3A1 protein function with a negative predictive value of 95%. In summary, the available evidence is currently insufficient to determine the role of this variant in disease. Therefore, it has been classified as a Variant of Uncertain Significance.

All of Us Research Program, National Institutes of Health
Classification: Uncertain significance for Ehlers-Danlos syndrome, type 4. Last evaluated: 2023-04-03. Review status: criteria provided, single submitter. Criteria: ACMG Guidelines, 2015. Collection method: clinical testing. Allele origin: germline. Inheritance: Autosomal dominant inheritance. Observed: 1 variant allele, 1 heterozygote.
Comment: This missense variant replaces alanine with valine at codon 1192 of the COL3A1 protein. Computational prediction suggests that this variant may not impact protein structure and function (internally defined REVEL score threshold <= 0.5, PMID: 27666373). To our knowledge, functional studies have not been reported for this variant. This variant has not been reported in individuals affected with COL3A1-related disorders in the literature. This variant has not been identified in the general population by the Genome Aggregation Database (gnomAD). The available evidence is insufficient to determine the role of this variant in disease conclusively. Therefore, this variant is classified as a Variant of Uncertain Significance.

This study involves interpretation of variants in research participants for the purpose of population health screening. Participant phenotype was not available at the time of variant classification. Additional details can be found in publication PMID: 35346344, PMCID: PMC8962531